The following is an entry in ClinVar:

NM_199242.3(UNC13D):c.3018C>G (p.Tyr1006Ter)

Gene: UNC13D (unc-13 homolog D; minus strand). Cytogenetic location: 17q25.1.
Variant type: single nucleotide variant.
Coding change: c.3018C>G on transcript NM_199242.3 (MANE Select); coding-DNA position 3018, C replaced by G.
Protein change: p.Tyr1006Ter; replaces tyrosine 1006 with a stop codon.
Molecular consequence: nonsense.
Genome position (GRCh38, 1-based): chr17:75,828,920, G>C on the plus strand (C>G on the coding strand, the complement: UNC13D is on the minus strand). VCF-style: chr17-75828920-G-C. GRCh37 (hg19) VCF-style: chr17-73825001-G-C.
Other names: short protein forms Y1006*.
Identifiers: ClinVar variation 1070830 (VCV001070830.7), dbSNP rs775862197, ClinGen allele CA401075003.

ClinVar aggregate classification (germline): Pathogenic (1 of 4 stars; one submission).

Conditions:
Familial hemophagocytic lymphohistiocytosis 3 (FHL3). Also called: UNC13D-Related Familial Hemophagocytic Lymphohistiocytosis (UNC13D-fHLH). Identifiers: Orphanet 540, MedGen C1837174, MONDO:0012146, OMIM 608898.

Submission:

Labcorp Genetics (formerly Invitae), Labcorp
Classification: Pathogenic for Familial hemophagocytic lymphohistiocytosis 3. Last evaluated: 2022-07-25. Review status: criteria provided, single submitter. Criteria: Invitae Variant Classification Sherloc (09022015). Collection method: clinical testing. Allele origin: germline.
Comment: ClinVar contains an entry for this variant (Variation ID: 1070830). This variant has not been reported in the literature in individuals affected with UNC13D-related conditions. This variant is not present in population databases (gnomAD no frequency). This sequence change creates a premature translational stop signal (p.Tyr1006*) in the UNC13D gene. It is expected to result in an absent or disrupted protein product. Loss-of-function variants in UNC13D are known to be pathogenic (PMID: 14622600). Algorithms developed to predict the effect of sequence changes on RNA splicing suggest that this variant may create or strengthen a splice site. For these reasons, this variant has been classified as Pathogenic.

Literature cited by the submitters: PubMed 14622600.